The following is an entry in ClinVar:

NM_001110556.2(FLNA):c.1796T>A (p.Val599Glu)

Gene: FLNA (filamin A; minus strand). Cytogenetic location: Xq28.
Variant type: single nucleotide variant.
Coding change: c.1796T>A on transcript NM_001110556.2 (MANE Select); coding-DNA position 1796, T replaced by A.
Protein change: p.Val599Glu; replaces valine 599 with glutamic acid.
Molecular consequence: missense variant.
Genome position (GRCh38, 1-based): chrX:154,364,853, A>T on the plus strand (T>A on the coding strand, the complement: FLNA is on the minus strand). VCF-style: chrX-154364853-A-T. GRCh37 (hg19) VCF-style: chrX-153593221-A-T.
Other names: c.1796T>A, p.Val599Glu (NM_001456.4); short protein forms V599E.
Identifiers: ClinVar variation 653062 (VCV000653062.11), dbSNP rs1603362453, ClinGen allele CA415242358.

ClinVar aggregate classification (germline): Uncertain significance (1 of 4 stars; one submission).

Conditions:
Frontometaphyseal dysplasia (FMD1). Identifiers: Orphanet 1826, MedGen C0265293, MONDO:0015942.
Oto-palato-digital syndrome, type II (OPD2). Also called: FACIOPALATOOSSEOUS SYNDROME; Otopalatodigital Syndrome, Type II; Otopalatodigital Syndrome Type 2 (FLNA-OPD2); OPD II SYNDROME. Identifiers: Orphanet 669, Orphanet 90652, MedGen C1844696, MONDO:0010571, OMIM 304120.
Heterotopia, periventricular, X-linked dominant (PVNH1). Also called: PERIVENTRICULAR NODULAR HETEROTOPIA 4; HETEROTOPIA, PERIVENTRICULAR, 1; PERIVENTRICULAR NODULAR HETEROTOPIA 1; X-linked periventricular heterotopia. Identifiers: Orphanet 2149, Orphanet 82004, MedGen C1848213, MONDO:0010233, OMIM 300049.
Melnick-Needles syndrome (MNS). Also called: Melnick-Needles Syndrome (FLNA-MNS); MELNICK-NEEDLES OSTEODYSPLASTY; OSTEODYSPLASTY OF MELNICK AND NEEDLES. Identifiers: Orphanet 2484, MedGen C0025237, MONDO:0010650, OMIM 309350.

Submission:

Labcorp Genetics (formerly Invitae), Labcorp
Classification: Uncertain significance for Oto-palato-digital syndrome, type II; Heterotopia, periventricular, X-linked dominant; Frontometaphyseal dysplasia; Melnick-Needles syndrome. Last evaluated: 2019-12-13. Review status: criteria provided, single submitter. Criteria: Invitae Variant Classification Sherloc (09022015). Collection method: clinical testing. Allele origin: germline.
Comment: This variant has not been reported in the literature in individuals with FLNA-related disease. This variant is not present in population databases (ExAC no frequency). This sequence change replaces valine with glutamic acid at codon 599 of the FLNA protein (p.Val599Glu). The valine residue is highly conserved and there is a moderate physicochemical difference between valine and glutamic acid. In summary, the available evidence is currently insufficient to determine the role of this variant in disease. Therefore, it has been classified as a Variant of Uncertain Significance. Algorithms developed to predict the effect of missense changes on protein structure and function are either unavailable or do not agree on the potential impact of this missense change (SIFT: "Deleterious"; PolyPhen-2: "Probably Damaging"; Align-GVGD: "Class C0").